The following is an entry in ClinVar:

ClinVar aggregate classification (germline): Pathogenic (1 of 4 stars; one submission).

Allele frequency attached by ClinVar (database versions not stated): gnomAD exomes below 0.00001.

Submission:

Labcorp Genetics (formerly Invitae), Labcorp
Classification: Pathogenic. Last evaluated: 2024-05-01. Review status: criteria provided, single submitter. Criteria: Invitae Variant Classification Sherloc (09022015). Collection method: clinical testing. Allele origin: germline.
Comment: This sequence change creates a premature translational stop signal (p.Ser707Profs*31) in the WHRN gene. It is expected to result in an absent or disrupted protein product. Loss-of-function variants in WHRN are known to be pathogenic (PMID: 12833159, 15841483, 22147658). This variant is not present in population databases (gnomAD no frequency). This variant has not been reported in the literature in individuals affected with WHRN-related conditions. For these reasons, this variant has been classified as Pathogenic.

Literature cited by the submitters: PubMed 12833159; PubMed 15841483; PubMed 22147658.

NM_015404.4(WHRN):c.2118_2121del (p.Ser707fs)

Gene: WHRN (whirlin; minus strand). Cytogenetic location: 9q32.
Variant type: Deletion.
Coding change: c.2118_2121del on transcript NM_015404.4 (MANE Select); coding-DNA positions 2118 to 2121, 4 bases deleted (ATCA; older notation c.2118_2121delATCA).
Protein change: p.Ser707fs; shifts the reading frame from serine 707.
Molecular consequence: frameshift variant.
Genome position (GRCh38, 1-based): chr9:114,406,470-114,406,473, TGAT deleted on the plus strand (ATCA on the coding strand, the reverse complement: WHRN is on the minus strand). VCF-style (leftmost placement, unchanged base first): chr9-114406469-GTGAT-G. GRCh37 (hg19) VCF-style: chr9-117168749-GTGAT-G.
Other names: c.969_972del, p.Ser324fs (NM_001083885.3); c.2118_2121del, p.Ser707fs (NM_001173425.2); c.1065_1068del, p.Ser356fs (NM_001346890.1); short protein forms S324fs, S356fs, S707fs.
Identifiers: ClinVar variation 2981511 (VCV002981511.3), dbSNP rs2491523324, ClinGen allele CA2691372607.